The following is an entry in ClinVar:

ClinVar aggregate classification (germline): Uncertain significance. Review status: criteria provided, multiple submitters, no conflicts (2 of 4 stars). 2 submissions from 2 submitters: Uncertain significance (2). Last evaluated 2024-12-07.

Allele frequency attached by ClinVar (database versions not stated): gnomAD 0.00001; ExAC 0.00002; gnomAD exomes 0.00002 and 0.00005; TOPMed 0.00003; ESP Exome Variant Server 0.00008.

Submissions (2):

Ambry Genetics
Classification: Uncertain significance. Last evaluated: 2024-12-07. Review status: criteria provided, single submitter. Criteria: Ambry Variant Classification Scheme 2023. Collection method: clinical testing. Allele origin: germline.

Labcorp Genetics (formerly Invitae), Labcorp
Classification: Uncertain significance. Last evaluated: 2022-03-04. Review status: criteria provided, single submitter. Criteria: Invitae Variant Classification Sherloc (09022015). Collection method: clinical testing. Allele origin: germline.
Comment: This sequence change replaces arginine, which is basic and polar, with tryptophan, which is neutral and slightly polar, at codon 945 of the RUSC2 protein (p.Arg945Trp). This variant is present in population databases (rs372605408, gnomAD 0.004%). This variant has not been reported in the literature in individuals affected with RUSC2-related conditions. Algorithms developed to predict the effect of missense changes on protein structure and function are either unavailable or do not agree on the potential impact of this missense change (SIFT: "Deleterious"; PolyPhen-2: "Probably Damaging"; Align-GVGD: "Class C0"). Algorithms developed to predict the effect of sequence changes on RNA splicing suggest that this variant may disrupt the consensus splice site. In summary, the available evidence is currently insufficient to determine the role of this variant in disease. Therefore, it has been classified as a Variant of Uncertain Significance.

NM_014806.5(RUSC2):c.2833C>T (p.Arg945Trp)

Gene: RUSC2 (RUN and SH3 domain containing 2; plus strand). Cytogenetic location: 9p13.3.
Variant type: single nucleotide variant.
Coding change: c.2833C>T on transcript NM_014806.5 (MANE Select); coding-DNA position 2833, C replaced by T.
Protein change: p.Arg945Trp; replaces arginine 945 with tryptophan.
Molecular consequence: missense variant. On other transcripts: non-coding transcript variant (1).
Genome position (GRCh38, 1-based): chr9:35,556,128, C>T. VCF-style: chr9-35556128-C-T. GRCh37 (hg19) VCF-style: chr9-35556125-C-T.
Other names: c.2833C>T, p.Arg945Trp (NM_001135999.2); c.199C>T, p.Arg67Trp (NM_001330740.2); c.2833C>T (NM_001135999.1); short protein forms R945W, R67W.
Identifiers: ClinVar variation 1481183 (VCV001481183.6), dbSNP rs372605408, ClinGen allele CA5043964.